The following is an entry in ClinVar:

NM_000329.3(RPE65):c.444G>C (p.Glu148Asp)

Gene: RPE65 (retinoid isomerohydrolase RPE65; minus strand). Cytogenetic location: 1p31.3.
Variant type: single nucleotide variant.
Coding change: c.444G>C on transcript NM_000329.3 (MANE Select); coding-DNA position 444, G replaced by C.
Protein change: p.Glu148Asp; replaces glutamic acid 148 with aspartic acid.
Molecular consequence: missense variant.
Genome position (GRCh38, 1-based): chr1:68,444,582, C>G on the plus strand (G>C on the coding strand, the complement: RPE65 is on the minus strand). VCF-style: chr1-68444582-C-G. GRCh37 (hg19) VCF-style: chr1-68910265-C-G.
Other names: c.336G>C, p.Glu112Asp (NM_001406853.1); c.168G>C, p.Glu56Asp (NM_001406856.1, NM_001406857.1); c.444G>C, p.Glu148Asp (NM_001406859.1, NM_001406860.1); short protein forms E112D, E148D, E56D.
Identifiers: ClinVar variation 4689558 (VCV004689558.1).

ClinVar aggregate classification (germline): Likely pathogenic (1 of 4 stars; one submission).

Conditions:
Leber congenital amaurosis (LCA). Also called: Leber's amaurosis. Identifiers: Orphanet 65, MedGen C0339527, MeSH D057130, MONDO:0018998.

Submission:

Women's Health and Genetics/Laboratory Corporation of America, LabCorp
Classification: Likely pathogenic for Leber congenital amaurosis. Last evaluated: 2026-01-07. Review status: criteria provided, single submitter. Criteria: LabCorp Variant Classification Summary - May 2015. Collection method: clinical testing. Allele origin: germline.
Comment: Variant summary: RPE65 c.444G>C (p.Glu148Asp) results in a conservative amino acid change in the encoded protein sequence. Algorithms developed to predict the effect of missense changes on protein structure and function are either unavailable or do not agree on the potential impact of this missense change. The variant was absent in 251432 control chromosomes (gnomAD). p.Glu148Asp has been observed in individuals affected with Leber congenital amaurosis (Hanein_2004, Chung_2018). These data indicate that the variant may be associated with disease. A different variant affecting the same codon has been classified as likely pathogenic by our lab (c.442G>A, p.Glu148Lys), supporting the critical relevance of codon 148 to RPE65 protein function. To our knowledge, no experimental evidence demonstrating an impact on protein function has been reported. The following publications have been ascertained in the context of this evaluation (PMID: 30268864, 34607013, 16123401, 15024725). No submitters have cited clinical-significance assessments for this variant to ClinVar. Based on the evidence outlined above, the variant was classified as likely pathogenic.

Literature cited by the submitters: PubMed 16123401; PubMed 30268864; PubMed 15024725; PubMed 34607013.